The following is an entry in ClinVar:

NM_138694.4(PKHD1):c.11683A>G (p.Ile3895Val)

Gene: PKHD1 (PKHD1 ciliary IPT domain containing fibrocystin/polyductin; minus strand). Cytogenetic location: 6p12.3.
Variant type: single nucleotide variant.
Coding change: c.11683A>G on transcript NM_138694.4 (MANE Select); coding-DNA position 11683, A replaced by G.
Protein change: p.Ile3895Val; replaces isoleucine 3895 with valine.
Molecular consequence: missense variant.
Genome position (GRCh38, 1-based): chr6:51,627,099, T>C on the plus strand (A>G on the coding strand, the complement: PKHD1 is on the minus strand). VCF-style: chr6-51627099-T-C. GRCh37 (hg19) VCF-style: chr6-51491897-T-C.
Other names: short protein forms I3895V.
Identifiers: ClinVar variation 4985501 (VCV004985501.1).

ClinVar aggregate classification (germline): Uncertain significance (1 of 4 stars; one submission).

Conditions:
PKHD1-related disorder. Also called: PKHD1-related condition.

gnomAD v4.1: 26 of 1,611,710 alleles (0.0016%); highest among the groups gnomAD compares: Non-Finnish European, 0.002%; no homozygotes.

Submission:

PreventionGenetics, part of Exact Sciences
Classification: Uncertain significance for PKHD1-related condition. Last evaluated: 2026-04-22. Review status: criteria provided, single submitter. Criteria: ACMG Guidelines, 2015. Collection method: clinical testing. Allele origin: germline.
Comment: The PKHD1 c.11683A>G variant is predicted to result in the amino acid substitution p.Ile3895Val. To our knowledge, this variant has not been reported in the literature. This variant is reported in 0.0035% of alleles in individuals of European (Non-Finnish) descent in gnomAD. At this time, the clinical significance of this variant is uncertain due to the absence of conclusive functional and genetic evidence.